The following is an entry in ClinVar:

ClinVar aggregate classification (germline): Uncertain significance. Review status: criteria provided, multiple submitters, no conflicts (2 of 4 stars). 3 submissions from 3 submitters: Uncertain significance (3). Last evaluated 2024-12-16.

Conditions:
Inborn genetic diseases. Identifiers: MedGen C0950123, MeSH D030342.
Neutrophil immunodeficiency syndrome. Also called: Immunodeficiency 73A with defective neutrophil chemotaxis and leukocytosis. Identifiers: Orphanet 183707, MedGen C1842398, MONDO:0011988, OMIM 608203.

Allele frequency attached by ClinVar (database versions not stated): gnomAD 0.00002; TOPMed 0.00003.
gnomAD v4.1: 12 of 1,613,814 alleles (0.00074%); highest among the groups gnomAD compares: Admixed American, 0.0033%; no homozygotes.

Submissions (3):

Revvity Omics, Revvity
Classification: Uncertain significance. Last evaluated: 2024-12-16. Review status: criteria provided, single submitter. Criteria: ACMG Guidelines, 2015. Collection method: clinical testing. Allele origin: germline.

Labcorp Genetics (formerly Invitae), Labcorp
Classification: Uncertain significance for Neutrophil immunodeficiency syndrome. Last evaluated: 2024-06-06. Review status: criteria provided, single submitter. Criteria: Invitae Variant Classification Sherloc (09022015). Collection method: clinical testing. Allele origin: germline.
Comment: This sequence change replaces valine, which is neutral and non-polar, with methionine, which is neutral and non-polar, at codon 14 of the RAC2 protein (p.Val14Met). This variant is present in population databases (no rsID available, gnomAD 0.007%). This variant has not been reported in the literature in individuals affected with RAC2-related conditions. Advanced modeling of protein sequence and biophysical properties (such as structural, functional, and spatial information, amino acid conservation, physicochemical variation, residue mobility, and thermodynamic stability) performed at Invitae indicates that this missense variant is expected to disrupt RAC2 protein function with a positive predictive value of 95%. In summary, the available evidence is currently insufficient to determine the role of this variant in disease. Therefore, it has been classified as a Variant of Uncertain Significance.

Ambry Genetics
Classification: Uncertain significance for Inborn genetic diseases. Last evaluated: 2023-12-13. Review status: criteria provided, single submitter. Criteria: Ambry Variant Classification Scheme 2023. Collection method: clinical testing. Allele origin: germline.

NM_002872.5(RAC2):c.40G>A (p.Val14Met)

Gene: RAC2 (Rac family small GTPase 2; minus strand). Cytogenetic location: 22q13.1.
Variant type: single nucleotide variant.
Coding change: c.40G>A on transcript NM_002872.5 (MANE Select); coding-DNA position 40, G replaced by A.
Protein change: p.Val14Met; replaces valine 14 with methionine.
Molecular consequence: missense variant.
Genome position (GRCh38, 1-based): chr22:37,241,654, C>T on the plus strand (G>A on the coding strand, the complement: RAC2 is on the minus strand). VCF-style: chr22-37241654-C-T. GRCh37 (hg19) VCF-style: chr22-37637694-C-T.
Other names: short protein forms V14M.
Identifiers: ClinVar variation 2897096 (VCV002897096.5), dbSNP rs1461567991, ClinGen allele CA411444070.